The following is an entry in ClinVar:

ClinVar aggregate classification (germline): Conflicting classifications of pathogenicity. Review status: criteria provided, conflicting classifications (1 of 4 stars). 6 submissions from 6 submitters: Uncertain significance (1); Likely benign (3). 2 of the submissions do not count toward it. Last evaluated 2026-09-01.

Conditions:
Joubert syndrome 17 (JBTS17). Identifiers: Orphanet 475, MedGen C3553264, MONDO:0013824, OMIM 614615.

Allele frequency attached by ClinVar (database versions not stated): ESP Exome Variant Server 0.00015; TOPMed 0.00019; gnomAD 0.00021 and 0.00022; ExAC 0.00025.
gnomAD v4.1: 518 of 1,609,578 alleles (0.032%); highest among the groups gnomAD compares: Middle Eastern, 0.3%; no homozygotes.

Submissions (6):

CeGaT Center for Human Genetics Tuebingen
Classification: Likely benign. Last evaluated: 2026-09-01. Review status: criteria provided, single submitter. Criteria: CeGaT Center For Human Genetics Tuebingen Variant Classification Criteria Version 2. Collection method: clinical testing. Allele origin: germline. Affected: yes. Observed: 1 variant allele.
Comment: CPLANE1: BP4

Labcorp Genetics (formerly Invitae), Labcorp
Classification: Likely benign. Last evaluated: 2026-02-02. Review status: criteria provided, single submitter. Criteria: Invitae Variant Classification Sherloc (09022015). Collection method: clinical testing. Allele origin: germline.

Blueprint Genetics
Classification: Likely benign. Last evaluated: 2024-10-18. Review status: criteria provided, single submitter. Criteria: ACMG Guidelines, 2015. Collection method: clinical testing. Allele origin: germline.

Illumina Laboratory Services, Illumina
Classification: Uncertain significance for Joubert syndrome 17. Last evaluated: 2018-01-13. Review status: criteria provided, single submitter. Criteria: ICSL Variant Classification Criteria 13 December 2019. Collection method: clinical testing. Allele origin: germline.

Clinical Genetics DNA and cytogenetics Diagnostics Lab, Erasmus MC, Erasmus Medical Center
Classification: Likely benign. Review status: no assertion criteria provided. Collection method: clinical testing. Allele origin: germline. Affected: yes. Study: VKGL Data-share Consensus. Not counted in ClinVar's aggregate classification.

Clinical Genetics, Academic Medical Center
Classification: Likely benign. Review status: no assertion criteria provided. Collection method: clinical testing. Allele origin: germline. Affected: yes. Study: VKGL Data-share Consensus. Not counted in ClinVar's aggregate classification.

NM_001384732.1(CPLANE1):c.4074C>T (p.Ile1358=)

Gene: CPLANE1 (ciliogenesis and planar polarity effector complex subunit 1; minus strand). Cytogenetic location: 5p13.2.
Variant type: single nucleotide variant.
Coding change: c.4074C>T on transcript NM_001384732.1 (MANE Select); coding-DNA position 4074, C replaced by T.
Protein change: p.Ile1358=; no amino-acid change (isoleucine 1358 retained).
Molecular consequence: synonymous variant.
Genome position (GRCh38, 1-based): chr5:37,187,420, G>A on the plus strand (C>T on the coding strand, the complement: CPLANE1 is on the minus strand). VCF-style: chr5-37187420-G-A. GRCh37 (hg19) VCF-style: chr5-37187522-G-A.
Other names: c.4074C>T, p.Ile1358= (NM_023073.4).
Identifiers: ClinVar variation 771563 (VCV000771563.18), dbSNP rs145018253, ClinGen allele CA3238801.